The following is an entry in ClinVar:

NM_000343.4(SLC5A1):c.1256A>T (p.Glu419Val)

Gene: SLC5A1 (solute carrier family 5 member 1; plus strand). Cytogenetic location: 22q12.3.
Variant type: single nucleotide variant.
Coding change: c.1256A>T on transcript NM_000343.4 (MANE Select); coding-DNA position 1256, A replaced by T.
Protein change: p.Glu419Val; replaces glutamic acid 419 with valine.
Molecular consequence: missense variant.
Genome position (GRCh38, 1-based): chr22:32,091,738, A>T. VCF-style: chr22-32091738-A-T. GRCh37 (hg19) VCF-style: chr22-32487725-A-T.
Other names: c.1256A>T (NM_000343.3); c.875A>T, p.Glu292Val (NM_001256314.2); short protein forms E292V, E419V.
Identifiers: ClinVar variation 1914051 (VCV001914051.6), dbSNP rs1414911182, ClinGen allele CA411308911.
Genomic context (GRCh38, chr22:32,091,738, plus strand): 5'-ACAGCGCCAGCACCCTCTTCACCATGGACATCTACGCCAAGGTCCGCAAGAGAGCATCTG[A>T]GAAAGAGCTCATGATTGCCGGAAGGTAAATGCAGCTTCCCCCAAGCCACAAAAGCTTGAA-3'
Protein context (NP_000334.1, residues 409-429): IYAKVRKRAS[Glu419Val]KELMIAGRLF

ClinVar aggregate classification (germline): Uncertain significance. Review status: criteria provided, multiple submitters, no conflicts (2 of 4 stars). 2 submissions from 2 submitters: Uncertain significance (2). Last evaluated 2022-11-09.

Conditions:
SLC5A1-related disorder. Also called: SLC5A1-related condition.
Congenital glucose-galactose malabsorption (GGM). Also called: DIARRHEA 16; MONOSACCHARIDE MALABSORPTION. Identifiers: Orphanet 35710, MedGen C0268186, MONDO:0011731, OMIM 606824.

Allele frequency attached by ClinVar (database versions not stated): TOPMed below 0.00001.
gnomAD v4.1: 1 of 1,614,008 alleles (0.000062%); highest among the groups gnomAD compares: Admixed American, 0.0017%; no homozygotes.

Submissions (2):

PreventionGenetics, part of Exact Sciences
Classification: Uncertain significance for SLC5A1-related condition. Last evaluated: 2022-11-09. Review status: criteria provided, single submitter. Criteria: ACMG Guidelines, 2015. Collection method: clinical testing. Allele origin: germline.
Comment: The SLC5A1 c.1256A>T variant is predicted to result in the amino acid substitution p.Glu419Val. To our knowledge, this variant has not been reported in the literature. This variant is reported in 0.0029% of alleles in individuals of Latino descent in gnomAD. At this time, the clinical significance of this variant is uncertain due to the absence of conclusive functional and genetic evidence.

Labcorp Genetics (formerly Invitae), Labcorp
Classification: Uncertain significance for Congenital glucose-galactose malabsorption. Last evaluated: 2021-12-21. Review status: criteria provided, single submitter. Criteria: Invitae Variant Classification Sherloc (09022015). Collection method: clinical testing. Allele origin: germline.
Comment: In summary, the available evidence is currently insufficient to determine the role of this variant in disease. Therefore, it has been classified as a Variant of Uncertain Significance. Algorithms developed to predict the effect of missense changes on protein structure and function (SIFT, PolyPhen-2, Align-GVGD) all suggest that this variant is likely to be disruptive. This variant has not been reported in the literature in individuals affected with SLC5A1-related conditions. This variant is present in population databases (no rsID available, gnomAD 0.003%). This sequence change replaces glutamic acid, which is acidic and polar, with valine, which is neutral and non-polar, at codon 419 of the SLC5A1 protein (p.Glu419Val).